The following is an entry in ClinVar:

NC_000003.11:g.(?_135979301)_(135980927_?)del

Gene: PCCB (propionyl-CoA carboxylase subunit beta; plus strand). Cytogenetic location: 3q22.3.
Variant type: Deletion.
Identifiers: ClinVar variation 3246857 (VCV003246857.1).

ClinVar aggregate classification (germline): Pathogenic (1 of 4 stars; one submission).

Conditions:
Propionic acidemia (PROP). Also called: GLYCINEMIA, KETOTIC; HYPERGLYCINEMIA WITH KETOACIDOSIS AND LEUKOPENIA; KETOTIC HYPERGLYCINEMIA. Identifiers: Orphanet 35, MedGen C0268579, MONDO:0011628, OMIM 606054, HP:0003571.

Submission:

Labcorp Genetics (formerly Invitae), Labcorp
Classification: Pathogenic for Propionic acidemia. Last evaluated: 2024-01-15. Review status: criteria provided, single submitter. Criteria: Invitae Variant Classification Sherloc (09022015). Collection method: clinical testing. Allele origin: unknown.
Comment: This variant is a gross deletion of the genomic region encompassing exon(s) 4-5 of the PCCB gene. This variant would be expected to be in-frame, preserving the integrity of the reading frame. This variant has not been reported in the literature in individuals affected with PCCB-related conditions. This variant disrupts a region of the PCCB protein in which other variant(s) (p.Arg165Gln) have been determined to be pathogenic (PMID: 11749052, 12757933). This suggests that this is a clinically significant region of the protein, and that variants that disrupt it are likely to be disease-causing. For these reasons, this variant has been classified as Pathogenic.

Literature cited by the submitters: PubMed 11749052; PubMed 12757933.